The following is an entry in ClinVar:

ClinVar aggregate classification (germline): Uncertain significance (1 of 4 stars; one submission).

Conditions:
Hereditary cancer-predisposing syndrome. Also called: Neoplastic Syndromes, Hereditary; Tumor predisposition; Hereditary neoplastic syndrome; Hereditary Cancer Syndrome. Identifiers: Orphanet 140162, MedGen C0027672, MeSH D009386, MONDO:0015356.

Submission:

Ambry Genetics
Classification: Uncertain significance for Hereditary cancer-predisposing syndrome. Last evaluated: 2023-12-23. Review status: criteria provided, single submitter. Criteria: Ambry Variant Classification Scheme 2023. Collection method: clinical testing. Allele origin: germline.
Comment: The p.M868R variant (also known as c.2603T>G), located in coding exon 14 of the RET gene, results from a T to G substitution at nucleotide position 2603. The methionine at codon 868 is replaced by arginine, an amino acid with similar properties. This amino acid position is conserved. In addition, the in silico prediction for this alteration is inconclusive. Since supporting evidence is limited at this time, the clinical significance of this alteration remains unclear.

NM_020975.6(RET):c.2603T>G (p.Met868Arg)

Gene: RET (ret proto-oncogene; plus strand). Cytogenetic location: 10q11.21.
Variant type: single nucleotide variant.
Coding change: c.2603T>G on transcript NM_020975.6 (MANE Select); coding-DNA position 2603, T replaced by G.
Protein change: p.Met868Arg; replaces methionine 868 with arginine.
Molecular consequence: missense variant.
Genome position (GRCh38, 1-based): chr10:43,119,741, T>G. VCF-style: chr10-43119741-T-G. GRCh37 (hg19) VCF-style: chr10-43615189-T-G.
Other names: c.2603T>G, p.Met868Arg (NM_000323.2, NM_001406743.1, NM_001406744.1 and 4 more transcripts); c.1841T>G, p.Met614Arg (NM_001355216.2); c.2474T>G, p.Met825Arg (NM_001406761.1, NM_001406762.1, NM_001406764.1); c.2468T>G, p.Met823Arg (NM_001406763.1, NM_001406765.1); c.2315T>G, p.Met772Arg (NM_001406766.1, NM_001406767.1, NM_001406770.1); c.2339T>G, p.Met780Arg (NM_001406768.1); c.2207T>G, p.Met736Arg (NM_001406769.1, NM_001406772.1); c.2165T>G, p.Met722Arg (NM_001406771.1, NM_001406773.1); and 10 more; short protein forms M385R, M433R, M473R, M524R, M526R, M529R, M538R, M569R.
Identifiers: ClinVar variation 3227536 (VCV003227536.1), dbSNP rs2132951609, ClinGen allele CA376556839.